The following is an entry in ClinVar:

ClinVar aggregate classification (germline): Uncertain significance (0 of 4 stars; one submission).

Conditions:
TTN-related disorder. Also called: TTN-related disorders; TTN-related condition; TTN-related disease.

gnomAD v4.1: 1 of 1,613,780 alleles (0.000062%); highest among the groups gnomAD compares: Non-Finnish European, 0.000085%; no homozygotes.

Submission:

PreventionGenetics, part of Exact Sciences
Classification: Uncertain significance for TTN-related condition. Last evaluated: 2024-04-28. Review status: no assertion criteria provided. Collection method: clinical testing. Allele origin: germline.
Comment: The TTN c.101995T>A variant is predicted to result in the amino acid substitution p.Trp33999Arg. To our knowledge, this variant has not been reported in the literature or in a large population database, indicating this variant is rare. At this time, the clinical significance of this variant is uncertain due to the absence of conclusive functional and genetic evidence.

NM_001267550.2(TTN):c.101995T>A (p.Trp33999Arg)

Genes: TTN (titin; minus strand), TTN-AS1 (TTN antisense RNA 1; plus strand). Cytogenetic location: 2q31.2.
Variant type: single nucleotide variant.
Coding change: c.101995T>A on transcript NM_001267550.2 (MANE Select); coding-DNA position 101995, T replaced by A.
Protein change: p.Trp33999Arg; replaces tryptophan 33999 with arginine.
Molecular consequence: missense variant.
Genome position (GRCh38, 1-based): chr2:178,534,620, A>T on the plus strand (T>A on the coding strand, the complement: TTN is on the minus strand). VCF-style: chr2-178534620-A-T. GRCh37 (hg19) VCF-style: chr2-179399347-A-T.
Other names: c.97072T>A, p.Trp32358Arg (NM_001256850.1); c.74800T>A, p.Trp24934Arg (NM_003319.4); c.94291T>A, p.Trp31431Arg (NM_133378.4); c.75175T>A, p.Trp25059Arg (NM_133432.3); c.75376T>A, p.Trp25126Arg (NM_133437.4); short protein forms W24934R, W25059R, W25126R, W31431R, W32358R, W33999R.
Identifiers: ClinVar variation 3345271 (VCV003345271.1).
Genomic context (GRCh38, chr2:178,534,620, plus strand): 5'-TTTCAGCCAGGAATGGGTTGATACCACTCAATAGCACATATACCAGTGTTCCAAGTGACC[A>T]CATGTCTGTGGCTGTGCTGACAACATCATGCTGGTGGACTTCAGGTGCATAGTATTCTGG-3'
Protein context (NP_001254479.2, residues 33989-34009): HDVVSTATDM[Trp33999Arg]SLGTLVYVLL